The following is an entry in ClinVar:

ClinVar aggregate classification (germline): Uncertain significance (1 of 4 stars; one submission).

Conditions:
Gastrointestinal stromal tumor. Also called: Gastrointestinal stromal tumor, somatic; Gastrointestinal stroma tumor. Identifiers: Orphanet 44890, MedGen C0238198, MeSH D046152, MONDO:0011719, OMIM 606764, HP:0100723.

Submission:

Labcorp Genetics (formerly Invitae), Labcorp
Classification: Uncertain significance for Gastrointestinal stromal tumor. Last evaluated: 2024-07-26. Review status: criteria provided, single submitter. Criteria: Invitae Variant Classification Sherloc (09022015). Collection method: clinical testing. Allele origin: germline.
Comment: This sequence change replaces valine, which is neutral and non-polar, with alanine, which is neutral and non-polar, at codon 493 of the PDGFRA protein (p.Val493Ala). This variant is not present in population databases (gnomAD no frequency). This variant has not been reported in the literature in individuals affected with PDGFRA-related conditions. Advanced modeling of protein sequence and biophysical properties (such as structural, functional, and spatial information, amino acid conservation, physicochemical variation, residue mobility, and thermodynamic stability) performed at Invitae indicates that this missense variant is not expected to disrupt PDGFRA protein function with a negative predictive value of 80%. In summary, the available evidence is currently insufficient to determine the role of this variant in disease. Therefore, it has been classified as a Variant of Uncertain Significance.

NM_006206.6(PDGFRA):c.1478T>C (p.Val493Ala)

Gene: PDGFRA (platelet derived growth factor receptor alpha; plus strand). Cytogenetic location: 4q12.
Variant type: single nucleotide variant.
Coding change: c.1478T>C on transcript NM_006206.6 (MANE Select); coding-DNA position 1478, T replaced by C.
Protein change: p.Val493Ala; replaces valine 493 with alanine.
Molecular consequence: missense variant.
Genome position (GRCh38, 1-based): chr4:54,273,650, T>C. VCF-style: chr4-54273650-T-C. GRCh37 (hg19) VCF-style: chr4-55139817-T-C.
Other names: c.1478T>C, p.Val493Ala (NM_001347827.2, NM_001347829.2); c.1553T>C, p.Val518Ala (NM_001347828.2); c.1517T>C, p.Val506Ala (NM_001347830.2); short protein forms V518A, V493A, V506A.
Identifiers: ClinVar variation 3660670 (VCV003660670.2).